The following is an entry in ClinVar:

NC_000001.10:g.(?_247607254)_(247617036_?)dup

Genes: NLRP3 (NLR family pyrin domain containing 3; plus strand), OR2B11 (olfactory receptor family 2 subfamily B member 11; minus strand). Cytogenetic location: 1q44.
Variant type: Duplication.
Identifiers: ClinVar variation 1003853 (VCV001003853.5).

ClinVar aggregate classification (germline): Uncertain significance (1 of 4 stars; one submission).

Conditions:
Cryopyrin associated periodic syndrome (CAPS). Identifiers: Orphanet 208650, MedGen C2316212, MONDO:0016168.

Submission:

Labcorp Genetics (formerly Invitae), Labcorp
Classification: Uncertain significance for Cryopyrin associated periodic syndrome. Last evaluated: 2020-09-09. Review status: criteria provided, single submitter. Criteria: Invitae Variant Classification Sherloc (09022015). Collection method: clinical testing. Allele origin: germline.
Comment: This variant results in a copy number gain of the genomic region encompassing exon(s) 7-9 of the NLRP3 gene. The 5' boundary is likely confined to intron 6. The 3' end of this event is unknown as it extends beyond the assayed region for this gene and therefore may encompass additional genes. As the precise location of this event is unknown, it may be in tandem or it may be located elsewhere in the genome. This variant has not been reported in the literature in individuals with NLRP3-related conditions. Experimental studies and prediction algorithms are not available or were not evaluated, and the functional significance of this variant is currently unknown. In summary, the available evidence is currently insufficient to determine the role of this variant in disease. Therefore, it has been classified as a Variant of Uncertain Significance.